The following is an entry in ClinVar:

ClinVar aggregate classification (germline): Uncertain significance (1 of 4 stars; one submission).

gnomAD v4.1: 15 of 1,613,810 alleles (0.00093%); highest among the groups gnomAD compares: Non-Finnish European, 0.0012%; no homozygotes.

Submission:

Labcorp Genetics (formerly Invitae), Labcorp
Classification: Uncertain significance. Last evaluated: 2022-11-03. Review status: criteria provided, single submitter. Criteria: Invitae Variant Classification Sherloc (09022015). Collection method: clinical testing. Allele origin: germline.
Comment: This sequence change replaces proline, which is neutral and non-polar, with alanine, which is neutral and non-polar, at codon 349 of the HPS3 protein (p.Pro349Ala). This variant is present in population databases (no rsID available, gnomAD 0.002%). This variant has not been reported in the literature in individuals affected with HPS3-related conditions. Advanced modeling of protein sequence and biophysical properties (such as structural, functional, and spatial information, amino acid conservation, physicochemical variation, residue mobility, and thermodynamic stability) performed at Invitae indicates that this missense variant is expected to disrupt HPS3 protein function. Algorithms developed to predict the effect of sequence changes on RNA splicing suggest that this variant may disrupt the consensus splice site. In summary, the available evidence is currently insufficient to determine the role of this variant in disease. Therefore, it has been classified as a Variant of Uncertain Significance.

NM_032383.5(HPS3):c.1045C>G (p.Pro349Ala)

Gene: HPS3 (HPS3 biogenesis of lysosomal organelles complex 2 subunit 1; plus strand). Cytogenetic location: 3q24.
Variant type: single nucleotide variant.
Coding change: c.1045C>G on transcript NM_032383.5 (MANE Select); coding-DNA position 1045, C replaced by G.
Protein change: p.Pro349Ala; replaces proline 349 with alanine.
Molecular consequence: missense variant.
Genome position (GRCh38, 1-based): chr3:149,145,428, C>G. VCF-style: chr3-149145428-C-G. GRCh37 (hg19) VCF-style: chr3-148863215-C-G.
Other names: c.550C>G, p.Pro184Ala (NM_001308258.2); short protein forms P184A, P349A.
Identifiers: ClinVar variation 2158411 (VCV002158411.1), dbSNP rs770304143, ClinGen allele CA85497811.